The following is an entry in ClinVar:

NM_004370.6(COL12A1):c.3833C>T (p.Thr1278Ile)

Gene: COL12A1 (collagen type XII alpha 1 chain; minus strand). Cytogenetic location: 6q13.
Variant type: single nucleotide variant.
Coding change: c.3833C>T on transcript NM_004370.6 (MANE Select); coding-DNA position 3833, C replaced by T.
Protein change: p.Thr1278Ile; replaces threonine 1278 with isoleucine.
Molecular consequence: missense variant.
Genome position (GRCh38, 1-based): chr6:75,152,133, G>A on the plus strand (C>T on the coding strand, the complement: COL12A1 is on the minus strand). VCF-style: chr6-75152133-G-A. GRCh37 (hg19) VCF-style: chr6-75861849-G-A.
Other names: c.341C>T, p.Thr114Ile (NM_080645.3); short protein forms T114I, T1278I.
Identifiers: ClinVar variation 2574902 (VCV002574902.1), dbSNP rs2533400237, ClinGen allele CA364748884.
Genomic context (GRCh38, chr6:75,152,133, plus strand): 5'-AGCCACAAACCTTAACCAGAAGCATGAGCTGAAAGACTGTCAGACAGTCCTTACTCACCT[G>A]TGAGAGTATTGCCTCCTTTGTACGGCAAGTTTGCCACAGCTTGCAACAAGCTCTTCTTGT-3'
Protein context (NP_004361.3, residues 1268-1288): NLPYKGGNTL[Thr1278Ile]GMALNFIRQQ

ClinVar aggregate classification (germline): Uncertain significance (1 of 4 stars; one submission).

Submission:

GeneDx
Classification: Uncertain significance. Last evaluated: 2023-02-04. Review status: criteria provided, single submitter. Criteria: GeneDx Variant Classification Process June 2021. Collection method: clinical testing. Allele origin: germline. Affected: yes.
Comment: Not observed at significant frequency in large population cohorts (gnomAD); Has not been previously published as pathogenic or benign to our knowledge; In silico analysis supports that this missense variant has a deleterious effect on protein structure/function